The following is an entry in ClinVar:

NM_000465.4(BARD1):c.2198G>A (p.Cys733Tyr)

Gene: BARD1 (BRCA1 associated RING domain 1; minus strand). Cytogenetic location: 2q35.
Variant type: single nucleotide variant.
Coding change: c.2198G>A on transcript NM_000465.4 (MANE Select); coding-DNA position 2198, G replaced by A.
Protein change: p.Cys733Tyr; replaces cysteine 733 with tyrosine.
Molecular consequence: missense variant. On other transcripts: non-coding transcript variant (3).
Genome position (GRCh38, 1-based): chr2:214,728,812, C>T on the plus strand (G>A on the coding strand, the complement: BARD1 is on the minus strand). VCF-style: chr2-214728812-C-T. GRCh37 (hg19) VCF-style: chr2-215593536-C-T.
Other names: c.2141G>A, p.Cys714Tyr (NM_001282543.2); c.845G>A, p.Cys282Tyr (NM_001282545.2); c.788G>A, p.Cys263Tyr (NM_001282548.2); c.659G>A, p.Cys220Tyr (NM_001282549.2); short protein forms C714Y, C733Y, C263Y, C282Y, C220Y.
Identifiers: ClinVar variation 1787523 (VCV001787523.6), dbSNP rs2105986870, ClinGen allele CA350450261.

ClinVar aggregate classification (germline): Uncertain significance. Review status: criteria provided, multiple submitters, no conflicts (2 of 4 stars). 2 submissions from 2 submitters: Uncertain significance (2). Last evaluated 2025-06-24.

Conditions:
Hereditary cancer-predisposing syndrome. Also called: Neoplastic Syndromes, Hereditary; Tumor predisposition; Hereditary Cancer Syndrome; Hereditary neoplastic syndrome. Identifiers: Orphanet 140162, MedGen C0027672, MeSH D009386, MONDO:0015356.
Familial cancer of breast. Also called: BREAST CANCER, FAMILIAL; Hereditary breast cancer; hereditary breast carcinoma. Identifiers: Orphanet 227535, MedGen C0346153, MONDO:0016419, OMIM 114480. Disease mechanism: loss of function.

Submissions (2):

Ambry Genetics
Classification: Uncertain significance for Hereditary cancer-predisposing syndrome. Last evaluated: 2025-06-24. Review status: criteria provided, single submitter. Criteria: Ambry Variant Classification Scheme 2023. Collection method: clinical testing. Allele origin: germline.
Comment: The p.C733Y variant (also known as c.2198G>A), located in coding exon 11 of the BARD1 gene, results from a G to A substitution at nucleotide position 2198. The cysteine at codon 733 is replaced by tyrosine, an amino acid with highly dissimilar properties. This amino acid position is highly conserved in available vertebrate species. In addition, this alteration is predicted to be deleterious by in silico analysis. Based on the available evidence, the clinical significance of this variant remains unclear.

Labcorp Genetics (formerly Invitae), Labcorp
Classification: Uncertain significance for Familial cancer of breast. Last evaluated: 2023-12-12. Review status: criteria provided, single submitter. Criteria: Invitae Variant Classification Sherloc (09022015). Collection method: clinical testing. Allele origin: germline.
Comment: This sequence change replaces cysteine, which is neutral and slightly polar, with tyrosine, which is neutral and polar, at codon 733 of the BARD1 protein (p.Cys733Tyr). This variant is not present in population databases (gnomAD no frequency). This variant has not been reported in the literature in individuals affected with BARD1-related conditions. ClinVar contains an entry for this variant (Variation ID: 1787523). An algorithm developed to predict the effect of missense changes on protein structure and function (PolyPhen-2) suggests that this variant is likely to be disruptive. In summary, the available evidence is currently insufficient to determine the role of this variant in disease. Therefore, it has been classified as a Variant of Uncertain Significance.